The following is an entry in ClinVar:

ClinVar aggregate classification (germline): Uncertain significance. Review status: criteria provided, multiple submitters, no conflicts (2 of 4 stars). 2 submissions from 2 submitters: Uncertain significance (2). Last evaluated 2025-03-25.

Conditions:
Inborn genetic diseases. Identifiers: MedGen C0950123, MeSH D030342.

gnomAD v4.1: 1 of 1,613,448 alleles (0.000062%); no homozygotes.

Submissions (2):

Ambry Genetics
Classification: Uncertain significance for Inborn genetic diseases. Last evaluated: 2025-03-25. Review status: criteria provided, single submitter. Criteria: Ambry Variant Classification Scheme 2023. Collection method: clinical testing. Allele origin: germline.
Comment: The p.I1578N variant (also known as c.4733T>A), located in coding exon 1 of the SAMD9 gene, results from a T to A substitution at nucleotide position 4733. The isoleucine at codon 1578 is replaced by asparagine, an amino acid with dissimilar properties. This amino acid position is conserved. In addition, this alteration is predicted to be tolerated by in silico analysis. Based on the available evidence, the clinical significance of this variant remains unclear.

Labcorp Genetics (formerly Invitae), Labcorp
Classification: Uncertain significance. Last evaluated: 2024-02-23. Review status: criteria provided, single submitter. Criteria: Invitae Variant Classification Sherloc (09022015). Collection method: clinical testing. Allele origin: germline.
Comment: This sequence change replaces isoleucine, which is neutral and non-polar, with asparagine, which is neutral and polar, at codon 1578 of the SAMD9 protein (p.Ile1578Asn). This variant is not present in population databases (gnomAD no frequency). This variant has not been reported in the literature in individuals affected with SAMD9-related conditions. Advanced modeling of protein sequence and biophysical properties (such as structural, functional, and spatial information, amino acid conservation, physicochemical variation, residue mobility, and thermodynamic stability) has been performed at Invitae for this missense variant, however the output from this modeling did not meet the statistical confidence thresholds required to predict the impact of this variant on SAMD9 protein function. In summary, the available evidence is currently insufficient to determine the role of this variant in disease. Therefore, it has been classified as a Variant of Uncertain Significance.

NM_017654.4(SAMD9):c.4733T>A (p.Ile1578Asn)

Gene: SAMD9 (sterile alpha motif domain containing 9; minus strand). Cytogenetic location: 7q21.2.
Variant type: single nucleotide variant.
Coding change: c.4733T>A on transcript NM_017654.4 (MANE Select); coding-DNA position 4733, T replaced by A.
Protein change: p.Ile1578Asn; replaces isoleucine 1578 with asparagine.
Molecular consequence: missense variant.
Genome position (GRCh38, 1-based): chr7:93,101,365, A>T on the plus strand (T>A on the coding strand, the complement: SAMD9 is on the minus strand). VCF-style: chr7-93101365-A-T. GRCh37 (hg19) VCF-style: chr7-92730678-A-T.
Other names: c.4733T>A, p.Ile1578Asn (NM_001193307.2); c.4733T>A (NM_017654.3); short protein forms I1578N.
Identifiers: ClinVar variation 3636725 (VCV003636725.3).